The following is an entry in ClinVar:

NC_000015.9:g.(28414802_28419540)_(28419767_28420657)dup

Gene: HERC2 (HECT and RLD domain containing E3 ubiquitin protein ligase 2; minus strand). Cytogenetic location: 15q13.1.
Variant type: Duplication.
Identifiers: ClinVar variation 2691672 (VCV002691672.1).

ClinVar aggregate classification (germline): Likely pathogenic (1 of 4 stars; one submission).

Conditions:
Developmental delay with autism spectrum disorder and gait instability (MRT38). Also called: Intellectual developmental disorder, autosomal recessive 38. Identifiers: Orphanet 329195, MedGen C3809753, MONDO:0014224, OMIM 615516.

Submission:

Women's Health and Genetics/Laboratory Corporation of America, LabCorp
Classification: Likely pathogenic for Developmental delay with autism spectrum disorder and gait instability. Last evaluated: 2023-12-13. Review status: criteria provided, single submitter. Criteria: LabCorp Variant Classification Summary - May 2015. Collection method: clinical testing. Allele origin: germline.
Comment: Variant summary: The variant involves the duplication of exon 65 in the HERC2 gene. A presumed nomenclature of c.(9831+1_9832-1)_(10057+1_10058-1)dup has been designated for the purposes of this classification. It is assumed to be a tandem duplication in direct orientation (Richardson_GIM_2018, Newman_AJHG_2015). This Copy Number Variant (CNV) is expected to alter the reading frame and predicted to result in a truncation or absence of the encoded protein due to nonsense mediated decay (NMD). The variant was absent in 21694 control chromosomes (gnomAD, structural variants dataset). To our knowledge, no occurrence of c.(9831+1_9832-1)_(10057+1_10058-1)dup in individuals affected with Intellectual Developmental Disorder, Autosomal Recessive 38 and no experimental evidence demonstrating its impact on protein function have been reported. No submitters have cited clinical-significance assessments for this variant to ClinVar after 2014. Based on the evidence outlined above, the variant was classified as likely pathogenic.